The following is an entry in ClinVar:

ClinVar aggregate classification (germline): Pathogenic/Likely pathogenic. Review status: criteria provided, multiple submitters, no conflicts (2 of 4 stars). 3 submissions from 3 submitters: Pathogenic (1); Likely pathogenic (2). Last evaluated 2024-08-29.

Conditions:
Autosomal recessive limb-girdle muscular dystrophy type 2J (LGMDR10). Also called: Limb-girdle muscular dystrophy, type 2J; MUSCULAR DYSTROPHY, LIMB-GIRDLE, AUTOSOMAL RECESSIVE 10. Identifiers: Orphanet 140922, MedGen C1837342, MONDO:0012127, OMIM 608807.
Dilated cardiomyopathy 1G (CMD1G). Identifiers: Orphanet 154, MedGen C1858763, MONDO:0011400, OMIM 604145.
Primary dilated cardiomyopathy (DCM). Also called: Dilated Cardiomyopathy. Identifiers: Orphanet 217604, MedGen C0007193, MeSH D002311, MONDO:0005021, HP:0001644. Inheritance: Various modes of inheritance.

Submissions (3):

Labcorp Genetics (formerly Invitae), Labcorp
Classification: Likely pathogenic for Dilated cardiomyopathy 1G; Autosomal recessive limb-girdle muscular dystrophy type 2J. Last evaluated: 2024-08-29. Review status: criteria provided, single submitter. Criteria: Invitae Variant Classification Sherloc (09022015). Collection method: clinical testing. Allele origin: germline.
Comment: This sequence change creates a premature translational stop signal (p.Glu28813*) in the TTN gene. While this is not anticipated to result in nonsense mediated decay, it is expected to create a truncated TTN protein. This variant is not present in population databases (gnomAD no frequency). This premature translational stop signal has been observed in individual(s) with dilated cardiomyopathy (PMID: 32746448, 37652022). This variant is also known as c.78733G>T, p.Glu26245X. ClinVar contains an entry for this variant (Variation ID: 228307). This variant is located in the A band of TTN (PMID: 25589632). Truncating variants in this region are significantly overrepresented in patients affected with dilated cardiomyopathy (PMID: 25589632). Truncating variants in this region have also been reported in individuals affected with autosomal recessive centronuclear myopathy (PMID: 23975875). In summary, the currently available evidence indicates that the variant is pathogenic, but additional data are needed to prove that conclusively. Therefore, this variant has been classified as Likely Pathogenic.

GeneDx
Classification: Pathogenic. Last evaluated: 2016-09-14. Review status: criteria provided, single submitter. Criteria: GeneDx Variant Classification (06012015). Collection method: clinical testing. Allele origin: germline. Affected: yes.
Comment: The E27172X variant in the TTN gene has not been reported as a pathogenic variant or as a benign variant to ourknowledge. However, this variant is predicted to cause loss of normal protein function either by protein truncation ornonsense-mediated mRNA decay. Furthermore, E27172X is located in the A-band region of TTN, where the majorityof truncating variants associated with DCM have been reported (Herman et al., 2012). Finally, E27172X was notobserved in approximately 6,200 individuals of European and African American ancestry in the NHLBI ExomeSequencing Project, indicating it is not a common benign variant in these populations.In summary, E27172X in the TTN gene is interpreted as a pathogenic variant.

Laboratory for Molecular Medicine, Mass General Brigham Personalized Medicine
Classification: Likely pathogenic for Primary dilated cardiomyopathy. Last evaluated: 2016-03-07. Review status: criteria provided, single submitter. Criteria: LMM Criteria. Collection method: clinical testing. Allele origin: germline. Observed: 2 variant alleles.
Comment: The p.Glu26245X variant in TTN has not been previously reported in individuals w ith cardiomyopathy or in large population studies. This nonsense variant leads t o a premature termination codon at position 26245, which is predicted to lead to a truncated or absent protein. Nonsense and other truncating variants in TTN ar e strongly associated with DCM if they impact the exons encoding for the A-band (Herman 2012, Pugh 2014) and/or are located in an exon that is highly expressed in the heart (Roberts 2015). The p.Glu26245X variant is located in A-band in the highly expressed exon 275. In summary, although additional studies are required to fully establish its clinical significance, the p.Glu26245X variant is likely pathogenic.

Literature cited by the submitters: PubMed 32746448 (cited by Labcorp Genetics (formerly Invitae), Labcorp); PubMed 37652022 (cited by Labcorp Genetics (formerly Invitae), Labcorp); PubMed 25589632 (cited by Labcorp Genetics (formerly Invitae), Labcorp); PubMed 23975875 (cited by Labcorp Genetics (formerly Invitae), Labcorp).

NM_001267550.2(TTN):c.86437G>T (p.Glu28813Ter)

Genes: TTN-AS1 (TTN antisense RNA 1; plus strand), TTN (titin; minus strand). Cytogenetic location: 2q31.2.
Variant type: single nucleotide variant.
Coding change: c.86437G>T on transcript NM_001267550.2 (MANE Select); coding-DNA position 86437, G replaced by T.
Protein change: p.Glu28813Ter; replaces glutamic acid 28813 with a stop codon.
Molecular consequence: nonsense.
Genome position (GRCh38, 1-based): chr2:178,559,695, C>A on the plus strand (G>T on the coding strand, the complement: TTN is on the minus strand). VCF-style: chr2-178559695-C-A. GRCh37 (hg19) VCF-style: chr2-179424422-C-A.
Other names: c.81514G>T, p.Glu27172Ter (NM_001256850.1); c.78733G>T, p.Glu26245Ter (NM_133378.4); c.59242G>T, p.Glu19748Ter (NM_003319.4); c.59617G>T, p.Glu19873Ter (NM_133432.3); c.59818G>T, p.Glu19940Ter (NM_133437.4); short protein forms E26245*, E28813*, E27172*, E19940*, E19748*, E19873*.
Identifiers: ClinVar variation 228307 (VCV000228307.8), dbSNP rs868494032, ClinGen allele CA10576468.